The following is an entry in ClinVar:

ClinVar aggregate classification (germline): Uncertain significance (1 of 4 stars; one submission).

Submission:

Women's Health and Genetics/Laboratory Corporation of America, LabCorp
Classification: Uncertain significance. Last evaluated: 2026-02-25. Review status: criteria provided, single submitter. Criteria: LabCorp Variant Classification Summary - May 2015. Collection method: clinical testing. Allele origin: germline.
Comment: Variant summary: GCDH c.302G>A (p.Gly101Glu) results in a non-conservative amino acid change in the encoded protein sequence. Algorithms developed to predict the effect of missense changes on protein structure and function all suggest that this variant is likely to be disruptive. The variant allele was found at a frequency of 4e-06 in 251484 control chromosomes. The available data on variant occurrences in the general population are insufficient to allow any conclusion about variant significance. c.302G>A has been observed in at least one individual affected with Glutaric Acidemia Type 1 (Hsieh_2008). These data do not allow any conclusion about variant significance. To our knowledge, no experimental evidence demonstrating an impact on protein function has been reported. The following publications have been ascertained in the context of this evaluation (PMID: 18285246, 37020324). No submitters have cited clinical-significance assessments for this variant to ClinVar. Based on the evidence outlined above, the variant was classified as uncertain significance.

Literature cited by the submitters: PubMed 23104440; PubMed 18285246; PubMed 37020324.

NM_000159.4(GCDH):c.302G>A (p.Gly101Glu)

Gene: GCDH (glutaryl-CoA dehydrogenase; plus strand). Cytogenetic location: 19p13.13.
Variant type: single nucleotide variant.
Coding change: c.302G>A on transcript NM_000159.4 (MANE Select); coding-DNA position 302, G replaced by A.
Protein change: p.Gly101Glu; replaces glycine 101 with glutamic acid.
Molecular consequence: missense variant. On other transcripts: non-coding transcript variant (1).
Genome position (GRCh38, 1-based): chr19:12,892,146, G>A. VCF-style: chr19-12892146-G-A. GRCh37 (hg19) VCF-style: chr19-13002960-G-A.
Other names: c.302G>A, p.Gly101Glu (NM_013976.5); short protein forms G101E.
Identifiers: ClinVar variation 4847906 (VCV004847906.1).